The following is an entry in ClinVar:

ClinVar aggregate classification (germline): Uncertain significance (1 of 4 stars; one submission).

Conditions:
Long QT syndrome (LQTS). Identifiers: MedGen C0023976, MeSH D008133, MONDO:0002442. Disease mechanism: loss of function. Inheritance: Various modes of inheritance.

gnomAD v4.1: 2 of 1,614,150 alleles (0.00012%); highest among the groups gnomAD compares: Non-Finnish European, 0.00017%; no homozygotes.

Submission:

Labcorp Genetics (formerly Invitae), Labcorp
Classification: Uncertain significance for Long QT syndrome. Last evaluated: 2025-05-26. Review status: criteria provided, single submitter. Criteria: Invitae Variant Classification Sherloc (09022015). Collection method: clinical testing. Allele origin: germline.
Comment: This sequence change replaces histidine, which is basic and polar, with arginine, which is basic and polar, at codon 2639 of the ANK2 protein (p.His2639Arg). This variant is not present in population databases (gnomAD no frequency). This variant has not been reported in the literature in individuals affected with ANK2-related conditions. An algorithm developed to predict the effect of missense changes on protein structure and function (PolyPhen-2) suggests that this variant is likely to be tolerated. In summary, the available evidence is currently insufficient to determine the role of this variant in disease. Therefore, it has been classified as a Variant of Uncertain Significance.

NM_001148.6(ANK2):c.7916A>G (p.His2639Arg)

Genes: ANK2 (ankyrin 2; plus strand), LOC126807137 (CDK7 strongly-dependent group 2 enhancer GRCh37_chr4:114276560-114277759; plus strand). Cytogenetic location: 4q26.
Variant type: single nucleotide variant.
Coding change: c.7916A>G on transcript NM_001148.6 (MANE Select); coding-DNA position 7916, A replaced by G.
Protein change: p.His2639Arg; replaces histidine 2639 with arginine.
Molecular consequence: missense variant. On other transcripts: intron variant (68).
Genome position (GRCh38, 1-based): chr4:113,356,534, A>G. VCF-style: chr4-113356534-A-G. GRCh37 (hg19) VCF-style: chr4-114277690-A-G.
Other names: c.7682A>G, p.His2561Arg (NM_001386142.1); c.4316A>G, p.His1439Arg (NM_001386166.1); c.8057A>G, p.His2686Arg (NM_001386174.1); c.8033A>G, p.His2678Arg (NM_001386175.1); c.4412-4289A>G (NM_001386186.2, NM_001386148.2); c.4214-4289A>G (NM_001354269.3); c.4292-4289A>G (NM_001386187.2); c.4253-4289A>G (NM_001386147.1); and 35 more; short protein forms H1439R, H2686R, H2639R, H2678R, H2561R.
Identifiers: ClinVar variation 4738010 (VCV004738010.1).